The following is an entry in ClinVar:

NM_000171.4(GLRA1):c.151G>A (p.Gly51Arg)

Gene: GLRA1 (glycine receptor alpha 1; minus strand). Cytogenetic location: 5q33.1.
Variant type: single nucleotide variant.
Coding change: c.151G>A on transcript NM_000171.4 (MANE Select); coding-DNA position 151, G replaced by A.
Protein change: p.Gly51Arg; replaces glycine 51 with arginine.
Molecular consequence: missense variant. On other transcripts: intron variant (1).
Genome position (GRCh38, 1-based): chr5:151,892,344, C>T on the plus strand (G>A on the coding strand, the complement: GLRA1 is on the minus strand). VCF-style: chr5-151892344-C-T. GRCh37 (hg19) VCF-style: chr5-151271905-C-T.
Other names: c.151G>A, p.Gly51Arg (NM_001146040.2); c.-65-5556G>A (NM_001292000.2); short protein forms G51R.
Identifiers: ClinVar variation 1057490 (VCV001057490.9), dbSNP rs1408253842, ClinGen allele CA361847920.

ClinVar aggregate classification (germline): Uncertain significance (1 of 4 stars; one submission).

Conditions:
Hereditary hyperekplexia. Identifiers: Orphanet 3197, MedGen C4084968, MONDO:0021022.

Allele frequency attached by ClinVar (database versions not stated): gnomAD 0.00001; gnomAD exomes 0.00001; TOPMed 0.00002.
gnomAD v4.1: 20 of 1,613,794 alleles (0.0012%); highest among the groups gnomAD compares: South Asian, 0.0044%; no homozygotes.

Submission:

Labcorp Genetics (formerly Invitae), Labcorp
Classification: Uncertain significance for Hereditary hyperekplexia. Last evaluated: 2025-12-23. Review status: criteria provided, single submitter. Criteria: Invitae Variant Classification Sherloc (09022015). Collection method: clinical testing. Allele origin: germline.
Comment: This sequence change replaces glycine, which is neutral and non-polar, with arginine, which is basic and polar, at codon 51 of the GLRA1 protein (p.Gly51Arg). This variant is present in population databases (no rsID available, gnomAD 0.01%). This variant has not been reported in the literature in individuals affected with GLRA1-related conditions. ClinVar contains an entry for this variant (Variation ID: 1057490). Invitae Evidence Modeling of protein sequence and biophysical properties (such as structural, functional, and spatial information, amino acid conservation, physicochemical variation, residue mobility, and thermodynamic stability) indicates that this missense variant is not expected to disrupt GLRA1 protein function with a negative predictive value of 80%. In summary, the available evidence is currently insufficient to determine the role of this variant in disease. Therefore, it has been classified as a Variant of Uncertain Significance.